The following is an entry in ClinVar:

ClinVar aggregate classification (germline): Uncertain significance (1 of 4 stars; one submission).

Conditions:
Long QT syndrome (LQTS). Identifiers: MedGen C0023976, MeSH D008133, MONDO:0002442. Disease mechanism: loss of function. Inheritance: Various modes of inheritance.

Submission:

Labcorp Genetics (formerly Invitae), Labcorp
Classification: Uncertain significance for Long QT syndrome. Last evaluated: 2022-03-25. Review status: criteria provided, single submitter. Criteria: Invitae Variant Classification Sherloc (09022015). Collection method: clinical testing. Allele origin: germline.
Comment: In summary, the available evidence is currently insufficient to determine the role of this variant in disease. Therefore, it has been classified as a Variant of Uncertain Significance. Algorithms developed to predict the effect of missense changes on protein structure and function are either unavailable or do not agree on the potential impact of this missense change (SIFT: "Not Available"; PolyPhen-2: "Probably Damaging"; Align-GVGD: "Not Available"). This variant has not been reported in the literature in individuals affected with ANK2-related conditions. This variant is present in population databases (no rsID available, gnomAD 0.04%). This sequence change replaces leucine, which is neutral and non-polar, with threonine, which is neutral and polar, at codon 549 of the ANK2 protein (p.Leu549Thr).

NM_001148.6(ANK2):c.1645_1646delinsAC (p.Leu549Thr)

Gene: ANK2 (ankyrin 2; plus strand). Cytogenetic location: 4q26.
Variant type: Indel.
Coding change: c.1645_1646delinsAC on transcript NM_001148.6 (MANE Select); coding-DNA positions 1645 to 1646, CT replaced by AC.
Protein change: p.Leu549Thr; replaces leucine 549 with threonine.
Molecular consequence: missense variant.
Genome position (GRCh38, 1-based): chr4:113,274,611-113,274,612, CT replaced by AC. VCF-style: chr4-113274611-CT-AC. GRCh37 (hg19) VCF-style: chr4-114195767-CT-AC.
Other names: c.1690_1691delinsAC, p.Leu564Thr (NM_001354237.2, NM_001354240.2, NM_001354241.2 and 5 more transcripts); c.1582_1583delinsAC, p.Leu528Thr (NM_001354239.2, NM_001354243.2, NM_001354244.2 and 14 more transcripts); c.1645_1646delinsAC, p.Leu549Thr (NM_001354245.2, NM_001354246.2, NM_001354225.2 and 8 more transcripts); c.1558_1559delinsAC, p.Leu520Thr (NM_001354249.2, NM_001354260.2, NM_001354274.2 and 13 more transcripts); c.1447_1448delinsAC, p.Leu483Thr (NM_001354273.2); c.1360_1361delinsAC, p.Leu454Thr (NM_001354277.2, NM_001386157.1, NM_001386158.1); c.1603_1604delinsAC, p.Leu535Thr (NM_001386160.1, NM_001354261.2, NM_001386147.1); c.1696_1697delinsAC, p.Leu566Thr (NM_001386174.1); and 4 more; short protein forms L520T, L537T, L545T, L558T, L479T, L528T, L564T, L566T.
Identifiers: ClinVar variation 2116784 (VCV002116784.4), dbSNP rs2494650559, ClinGen allele CA2580071381.
Genomic context (GRCh38, chr4:113,274,611, plus strand): 5'-AATGGGTACACACCACTGCACATCTCTGCCCGGGAGGGCCAGGTGGATGTGGCATCAGTC[CT>AC]ATTGGAAGCAGGAGCAGCCCACTCCTTAGCTACCAAGGTAAGGAGAATGACATCATGAGA-3'
Protein context (NP_001139.3, residues 539-559): REGQVDVASV[Leu549Thr]LEAGAAHSLA